The following is an entry in ClinVar:

ClinVar aggregate classification (germline): Benign/Likely benign. Review status: criteria provided, multiple submitters, no conflicts (2 of 4 stars). 8 submissions from 8 submitters: Benign (6); Likely benign (1). 1 of the submissions does not count toward it. Last evaluated 2026-01-28.

Conditions:
Charcot-Marie-Tooth disease recessive intermediate C. Also called: CHARCOT-MARIE-TOOTH NEUROPATHY, RECESSIVE INTERMEDIATE C. Identifiers: Orphanet 369867, MedGen C3809309, MONDO:0014154, OMIM 615376.
Neuronopathy, distal hereditary motor, autosomal recessive 4. Also called: Autosomal recessive lower motor neuron disease with childhood onset; NEUROPATHY, DISTAL HEREDITARY MOTOR, AUTOSOMAL RECESSIVE 4. Identifiers: Orphanet 206580, MedGen C1970211, MONDO:0012608, OMIM 611067.
PLEKHG5-related disorder. Also called: PLEKHG5-related condition.
Inborn genetic diseases. Identifiers: MedGen C0950123, MeSH D030342.

Allele frequency attached by ClinVar (database versions not stated): gnomAD exomes 0.00183; 1000 Genomes Project 0.00539; 1000 Genomes Project 30x 0.00547; TOPMed 0.00854; ESP Exome Variant Server 0.00892.
gnomAD v4.1: 2,198 of 1,613,510 alleles (0.14%); highest among the groups gnomAD compares: African/African-American, 2.7%; 22 homozygotes.

Submissions (8):

Labcorp Genetics (formerly Invitae), Labcorp
Classification: Benign for Neuronopathy, distal hereditary motor, autosomal recessive 4; Charcot-Marie-Tooth disease recessive intermediate C. Last evaluated: 2026-01-28. Review status: criteria provided, single submitter. Criteria: Invitae Variant Classification Sherloc (09022015). Collection method: clinical testing. Allele origin: germline.

ARUP Laboratories, Molecular Genetics and Genomics, ARUP Laboratories
Classification: Benign. Last evaluated: 2024-10-02. Review status: criteria provided, single submitter. Criteria: ARUP Molecular Germline Variant Investigation Process 2024. Collection method: clinical testing. Allele origin: germline.

Ambry Genetics
Classification: Likely benign for Inborn genetic diseases. Last evaluated: 2019-07-11. Review status: criteria provided, single submitter. Criteria: Ambry Variant Classification Scheme 2023. Collection method: clinical testing. Allele origin: germline.

Illumina Laboratory Services, Illumina
Classification: Benign for Neuronopathy, distal hereditary motor, autosomal recessive 4. Last evaluated: 2018-01-13. Review status: criteria provided, single submitter. Criteria: ICSL Variant Classification Criteria 13 December 2019. Collection method: clinical testing. Allele origin: germline.
Comment: This variant was observed in the ICSL laboratory as part of a predisposition screen in an ostensibly healthy population. It had not been previously curated by ICSL or reported in the Human Gene Mutation Database (HGMD: prior to June 1st, 2018), and was therefore a candidate for classification through an automated scoring system. Utilizing variant allele frequency, disease prevalence and penetrance estimates, and inheritance mode, an automated score was calculated to assess if this variant is too frequent to cause the disease. Based on the score and internal cut-off values, a variant classified as benign is not then subjected to further curation. The score for this variant resulted in a classification of benign for this disease.

Mayo Clinic Laboratories, Mayo Clinic
Classification: Benign. Last evaluated: 2017-07-21. Review status: criteria provided, single submitter. Criteria: ACMG Guidelines, 2015. Collection method: clinical testing. Allele origin: germline. Observed: 9 variant alleles.

GeneDx
Classification: Benign. Last evaluated: 2016-07-28. Review status: criteria provided, single submitter. Criteria: GeneDx Variant Classification (06012015). Collection method: clinical testing. Allele origin: germline. Affected: yes.
Comment: This variant is considered likely benign or benign based on one or more of the following criteria: it is a conservative change, it occurs at a poorly conserved position in the protein, it is predicted to be benign by multiple in silico algorithms, and/or has population frequency not consistent with disease.

Breakthrough Genomics
Classification: Benign. Review status: criteria provided, single submitter. Criteria: ACMG Guidelines, 2015. Collection method: not provided. Allele origin: germline. Inheritance: Autosomal recessive inheritance. Affected: yes.

PreventionGenetics, part of Exact Sciences
Classification: Benign for PLEKHG5-related condition. Last evaluated: 2019-07-19. Review status: no assertion criteria provided. Collection method: clinical testing. Allele origin: germline. Not counted in ClinVar's aggregate classification.
Comment: This variant is classified as benign based on ACMG/AMP sequence variant interpretation guidelines (Richards et al. 2015 PMID: 25741868, with internal and published modifications).

NM_020631.6(PLEKHG5):c.495G>A (p.Lys165=)

Gene: PLEKHG5 (pleckstrin homology and RhoGEF domain containing G5; minus strand). Cytogenetic location: 1p36.31.
Variant type: single nucleotide variant.
Coding change: c.495G>A on transcript NM_020631.6 (MANE Select); coding-DNA position 495, G replaced by A.
Protein change: p.Lys165=; no amino-acid change (lysine 165 retained).
Molecular consequence: synonymous variant.
Genome position (GRCh38, 1-based): chr1:6,474,109, C>T on the plus strand (G>A on the coding strand, the complement: PLEKHG5 is on the minus strand). VCF-style: chr1-6474109-C-T. GRCh37 (hg19) VCF-style: chr1-6534169-C-T.
Other names: p.Lys165=; c.606G>A, p.Lys202= (NM_001042663.3, NM_001265592.2); c.495G>A, p.Lys165= (NM_001042664.2, NM_001042665.2, NM_001265594.3 and 1 more transcripts); c.702G>A, p.Lys234= (NM_001265593.2); c.495G>A (NM_020631.5).
Identifiers: ClinVar variation 297972 (VCV000297972.22), dbSNP rs150772386, ClinGen allele CA561831.